The following is an entry in ClinVar:

ClinVar aggregate classification (germline): Pathogenic. Review status: criteria provided, single submitter (1 of 4 stars). 2 submissions from 2 submitters: Pathogenic (1). 1 of the submissions does not count toward it. Last evaluated 2023-01-21.

Conditions:
Cataract 14 multiple types. Also called: CATARACT 14, ZONULAR PULVERULENT; CATARACT 14, NUCLEAR PULVERULENT; CATARACT 14, NUCLEAR PULVERULENT AND POSTERIOR POLAR; CATARACT 14, NUCLEAR CORALLIFORM; CATARACT 14, EMBRYONAL NUCLEAR; CATARACT 14, COPPOCK-LIKE. Identifiers: Orphanet 91492, MedGen C1866078, MONDO:0011162, OMIM 601885.

Submissions (2):

Dept. Genetics and Cancer, Menzies Institute for Medical Research, University of Tasmania
Classification: Pathogenic for Cataract 14 multiple types. Last evaluated: 2023-01-21. Review status: criteria provided, single submitter. Criteria: ACMG Guidelines, 2015. Collection method: curation. Allele origin: germline. Affected: yes.
Comment: Variant identified and curated during a GJA3 specific review of the literature in relation to pediatric or congenital cataract. ACMG-AMP criteria applied: PVS1(Strong), PS3, PP1(Moderate), PM2(Supporting). Original variant report: PMID:10205266. The cataract phenotype reported for this variant is: Punctate opacities throughout lens (zonular pulverulent). Gene review and curation guidelines are outlined in: DOI 10.1080/17469899.2023.2160320

OMIM
Classification: Pathogenic for CATARACT 14, ZONULAR PULVERULENT. Last evaluated: 2005-12-09. Review status: no assertion criteria provided. Collection method: literature only. Allele origin: germline. Not counted in ClinVar's aggregate classification.

Literature cited by the submitters: PubMed 10205266 (cited by Dept. Genetics and Cancer, Menzies Institute for Medical Research, University of Tasmania and OMIM); PubMed 16204255 (cited by OMIM).

NM_021954.4(GJA3):c.1137dup (p.Ser380fs)

Gene: GJA3 (gap junction protein alpha 3; minus strand). Cytogenetic location: 13q12.11.
Variant type: Duplication.
Coding change: c.1137dup on transcript NM_021954.4 (MANE Select); coding-DNA position 1137, one base duplicated (C; older notation c.1137dupC).
Protein change: p.Ser380fs; shifts the reading frame from serine 380.
Molecular consequence: frameshift variant.
Genome position (GRCh38, 1-based): chr13:20,142,152, G duplicated on the plus strand (C on the coding strand, the reverse complement: GJA3 is on the minus strand). VCF-style (leftmost placement, unchanged base first): chr13-20142151-T-TG. GRCh37 (hg19) VCF-style: chr13-20716290-T-TG.
Other names: short protein forms S380fs.
Identifiers: ClinVar variation 16979 (VCV000016979.2), dbSNP rs1593332981, ClinGen allele CA913184967.